The following is an entry in ClinVar:

NM_005188.4(CBL):c.2369T>A (p.Leu790His)

Gene: CBL (Cbl proto-oncogene; plus strand). Cytogenetic location: 11q23.3.
Variant type: single nucleotide variant.
Coding change: c.2369T>A on transcript NM_005188.4 (MANE Select); coding-DNA position 2369, T replaced by A.
Protein change: p.Leu790His; replaces leucine 790 with histidine.
Molecular consequence: missense variant.
Genome position (GRCh38, 1-based): chr11:119,298,475, T>A. VCF-style: chr11-119298475-T-A. GRCh37 (hg19) VCF-style: chr11-119169185-T-A.
Other names: short protein forms L790H.
Identifiers: ClinVar variation 1367749 (VCV001367749.6), dbSNP rs1950078661, ClinGen allele CA382929730.

ClinVar aggregate classification (germline): Uncertain significance (1 of 4 stars; one submission).

Conditions:
RASopathy. Also called: Noonan spectrum disorder; rasopathies. Identifiers: Orphanet 536391, MedGen C5555857, MONDO:0021060.

Submission:

Labcorp Genetics (formerly Invitae), Labcorp
Classification: Uncertain significance for RASopathy. Last evaluated: 2021-09-05. Review status: criteria provided, single submitter. Criteria: Invitae Variant Classification Sherloc (09022015). Collection method: clinical testing. Allele origin: germline.
Comment: In summary, the available evidence is currently insufficient to determine the role of this variant in disease. Therefore, it has been classified as a Variant of Uncertain Significance. Advanced modeling of protein sequence and biophysical properties (such as structural, functional, and spatial information, amino acid conservation, physicochemical variation, residue mobility, and thermodynamic stability) performed at Invitae indicates that this missense variant is not expected to disrupt CBL protein function. This variant has not been reported in the literature in individuals affected with CBL-related conditions. This variant is not present in population databases (ExAC no frequency). This sequence change replaces leucine with histidine at codon 790 of the CBL protein (p.Leu790His). The leucine residue is moderately conserved and there is a moderate physicochemical difference between leucine and histidine.